The following is an entry in ClinVar:

NM_002335.4(LRP5):c.4446G>C (p.Ser1482=)

Gene: LRP5 (LDL receptor related protein 5; plus strand). Cytogenetic location: 11q13.2.
Variant type: single nucleotide variant.
Coding change: c.4446G>C on transcript NM_002335.4 (MANE Select); coding-DNA position 4446, G replaced by C.
Protein change: p.Ser1482=; no amino-acid change (serine 1482 retained).
Molecular consequence: synonymous variant.
Genome position (GRCh38, 1-based): chr11:68,439,874, G>C. VCF-style: chr11-68439874-G-C. GRCh37 (hg19) VCF-style: chr11-68207342-G-C.
Other names: c.2703G>C, p.Ser901= (NM_001291902.2).
Identifiers: ClinVar variation 1165373 (VCV001165373.37), dbSNP rs142191419, ClinGen allele CA6150362.
Genomic context (GRCh38, chr11:68,439,874, plus strand): 5'-CCTGATGGGGGGCCGGGGCGGGGTGCCCCTCTACGACCGGAACCACGTCACAGGGGCCTC[G>C]TCCAGCAGCTCGTCCAGCACGAAGGCCACGCTGTACCCGCCGGTGAGGGGCGGGGCCGGG-3'
Protein context (NP_002326.2, residues 1472-1492): LYDRNHVTGA[Ser1482=]SSSSSSTKAT

ClinVar aggregate classification (germline): Benign/Likely benign. Review status: criteria provided, multiple submitters, no conflicts (2 of 4 stars). 5 submissions from 5 submitters: Benign (1); Likely benign (4). Last evaluated 2026-02-01.

Conditions:
LRP5-related disorder. Also called: LRP5-related condition.
Osteogenesis imperfecta (OI). Identifiers: Orphanet 666, MedGen C0029434, MeSH D010013, MONDO:0019019.

Allele frequency attached by ClinVar (database versions not stated): 1000 Genomes Project 0.00080.

Submissions (5):

Labcorp Genetics (formerly Invitae), Labcorp
Classification: Benign. Last evaluated: 2026-02-01. Review status: criteria provided, single submitter. Criteria: Invitae Variant Classification Sherloc (09022015). Collection method: clinical testing. Allele origin: germline.

PreventionGenetics, part of Exact Sciences
Classification: Likely benign for LRP5-related condition. Last evaluated: 2025-09-29. Review status: criteria provided, single submitter. Criteria: ACMG Guidelines, 2015. Collection method: clinical testing. Allele origin: germline.
Comment: This variant is classified as likely benign based on ACMG/AMP sequence variant interpretation guidelines (Richards et al. 2015 PMID: 25741868, with internal and published modifications).

Blueprint Genetics
Classification: Likely benign. Last evaluated: 2024-06-19. Review status: criteria provided, single submitter. Criteria: ACMG Guidelines, 2015. Collection method: clinical testing. Allele origin: germline.

CeGaT Center for Human Genetics Tuebingen
Classification: Likely benign. Last evaluated: 2022-08-01. Review status: criteria provided, single submitter. Criteria: CeGaT Center For Human Genetics Tuebingen Variant Classification Criteria Version 2. Collection method: clinical testing. Allele origin: germline. Affected: yes. Observed: 1 variant allele.
Comment: LRP5: BP4, BP7

Genome Diagnostics Laboratory, The Hospital for Sick Children
Classification: Likely benign for Osteogenesis imperfecta. Last evaluated: 2022-05-25. Review status: criteria provided, single submitter. Criteria: ACMG Guidelines, 2015. Collection method: clinical testing. Allele origin: germline.